The following is an entry in ClinVar:

ClinVar aggregate classification (germline): Uncertain significance (1 of 4 stars; one submission).

Submission:

GeneDx
Classification: Uncertain significance. Last evaluated: 2016-05-24. Review status: criteria provided, single submitter. Criteria: GeneDx Variant Classification (06012015). Collection method: clinical testing. Allele origin: germline. Affected: yes.
Comment: The c.425delT variant in the ALG14 gene has not been reported previously as a pathogenic variant nor as a benign variant, to our knowledge. This variant causes a frameshift starting with codon Leucine 142, changes this amino acid to a Cysteine residue, and creates a premature Stop codon at position 21 of the new reading frame, denoted p.Leu142CysfsX21. This variant is predicted to cause loss of normal protein function through protein truncation. The c.425delT variant was not observed in approximately 6500 individuals of European and African American ancestry in the NHLBI Exome Sequencing Project, indicating it is not a common benign variant in these populations. We interpret c.425delT as a variant of uncertain significance.

NM_144988.4(ALG14):c.425del (p.Leu142fs)

Gene: ALG14 (ALG14 UDP-N-acetylglucosaminyltransferase subunit; minus strand). Cytogenetic location: 1p21.3.
Variant type: Deletion.
Coding change: c.425del on transcript NM_144988.4 (MANE Select); coding-DNA position 425, one base deleted (T; older notation c.425delT).
Protein change: p.Leu142fs; shifts the reading frame from leucine 142.
Molecular consequence: frameshift variant. On other transcripts: non-coding transcript variant (1).
Genome position (GRCh38, 1-based): chr1:94,983,302, A deleted on the plus strand (T on the coding strand, the reverse complement: ALG14 is on the minus strand); the first of 2 consecutive A bases (chr1:94,983,302-94,983,303); deleting either gives the same sequence. VCF-style (leftmost placement, unchanged base first): chr1-94983301-CA-C. GRCh37 (hg19) VCF-style: chr1-95448857-CA-C.
Other names: c.462del, p.Val155fs (NM_001305242.2); short protein forms V155fs, L142fs.
Identifiers: ClinVar variation 421328 (VCV000421328.2), dbSNP rs1064795061, ClinGen allele CA16617214.